The following is an entry in ClinVar:

ClinVar aggregate classification (germline): Uncertain significance (1 of 4 stars; one submission).

Conditions:
Inborn genetic diseases. Identifiers: MedGen C0950123, MeSH D030342.

Submission:

Ambry Genetics
Classification: Uncertain significance for Inborn genetic diseases. Last evaluated: 2024-09-08. Review status: criteria provided, single submitter. Criteria: Ambry Variant Classification Scheme 2023. Collection method: clinical testing. Allele origin: germline.
Comment: The p.H779R variant (also known as c.2336A>G), located in coding exon 15 of the EPAS1 gene, results from an A to G substitution at nucleotide position 2336. The histidine at codon 779 is replaced by arginine, an amino acid with highly similar properties. This amino acid position is conserved. In addition, this alteration is predicted to be tolerated by in silico analysis. Based on the available evidence, the clinical significance of this variant remains unclear.

NM_001430.5(EPAS1):c.2336A>G (p.His779Arg)

Gene: EPAS1 (endothelial PAS domain protein 1; plus strand). Cytogenetic location: 2p21.
Variant type: single nucleotide variant.
Coding change: c.2336A>G on transcript NM_001430.5 (MANE Select); coding-DNA position 2336, A replaced by G.
Protein change: p.His779Arg; replaces histidine 779 with arginine.
Molecular consequence: missense variant.
Genome position (GRCh38, 1-based): chr2:46,382,473, A>G. VCF-style: chr2-46382473-A-G. GRCh37 (hg19) VCF-style: chr2-46609612-A-G.
Other names: short protein forms H779R.
Identifiers: ClinVar variation 3508980 (VCV003508980.1).